The following is an entry in ClinVar:

ClinVar aggregate classification (germline): Uncertain significance. Review status: criteria provided, multiple submitters, no conflicts (2 of 4 stars). 7 submissions from 6 submitters: Uncertain significance (7). Last evaluated 2026-02-25.

Conditions:
ABCB4-related disorder. Also called: ABCB4-related disorders; ABCB4-related condition.
Inborn genetic diseases. Identifiers: MedGen C0950123, MeSH D030342.
Cholestasis, intrahepatic, of pregnancy, 3. Identifiers: Orphanet 69665, MedGen C3554241, MONDO:0013995, OMIM 614972.
Progressive familial intrahepatic cholestasis type 3. Also called: Low Gamma-GT Familial Intrahepatic Cholestasis; MDR3 DEFICIENCY. Identifiers: Orphanet 79305, MedGen C1865643, MONDO:0011214, OMIM 602347.

Allele frequency attached by ClinVar (database versions not stated): ExAC 0.00004; gnomAD exomes 0.00004 and 0.00006; gnomAD 0.00008 and 0.00009; TOPMed 0.00010; 1000 Genomes Project 30x 0.00016; 1000 Genomes Project 0.00020.
gnomAD v4.1: 69 of 1,613,888 alleles (0.0043%); highest among the groups gnomAD compares: Admixed American, 0.03%; 1 homozygote.

Submissions (7):

PreventionGenetics, part of Exact Sciences
Classification: Uncertain significance for ABCB4-related condition. Last evaluated: 2026-02-25. Review status: criteria provided, single submitter. Criteria: ACMG Guidelines, 2015. Collection method: clinical testing. Allele origin: germline.
Comment: The ABCB4 c.1982G>A variant is predicted to result in the amino acid substitution p.Arg661His. To our knowledge, this variant has not been reported in the literature. This variant is reported in 0.016% of alleles in individuals of African descent in gnomAD. At this time, the clinical significance of this variant is uncertain due to the absence of conclusive functional and genetic evidence.

Mayo Clinic Laboratories, Mayo Clinic
Classification: Uncertain significance. Last evaluated: 2025-08-08. Review status: criteria provided, single submitter. Criteria: ACMG Guidelines, 2015. Collection method: clinical testing. Allele origin: germline. Observed: 1 variant allele.
Comment: BP4, PM2_supporting

Blueprint Genetics
Classification: Uncertain significance. Last evaluated: 2024-11-15. Review status: criteria provided, single submitter. Criteria: ACMG Guidelines, 2015. Collection method: clinical testing. Allele origin: germline.

Ambry Genetics
Classification: Uncertain significance for Inborn genetic diseases. Last evaluated: 2023-02-27. Review status: criteria provided, single submitter. Criteria: Ambry Variant Classification Scheme 2023. Collection method: clinical testing. Allele origin: germline.

Eurofins Ntd Llc (ga)
Classification: Uncertain significance. Last evaluated: 2018-08-30. Review status: criteria provided, single submitter. Criteria: EGL ClinVar v180209 classification definitions. Collection method: clinical testing. Allele origin: germline. Observed: 2 variant alleles, 2 heterozygotes.

Illumina Laboratory Services, Illumina
Classification: Uncertain significance for Cholestasis, intrahepatic, of pregnancy, 3. Last evaluated: 2018-01-13. Review status: criteria provided, single submitter. Criteria: ICSL Variant Classification Criteria 13 December 2019. Collection method: clinical testing. Allele origin: germline.

Illumina Laboratory Services, Illumina
Classification: Uncertain significance for Progressive familial intrahepatic cholestasis type 3. Last evaluated: 2018-01-13. Review status: criteria provided, single submitter. Criteria: ICSL Variant Classification Criteria 13 December 2019. Collection method: clinical testing. Allele origin: germline.

NM_000443.4(ABCB4):c.1982G>A (p.Arg661His)

Gene: ABCB4 (ATP binding cassette subfamily B member 4; minus strand). Cytogenetic location: 7q21.12.
Variant type: single nucleotide variant.
Coding change: c.1982G>A on transcript NM_000443.4 (MANE Select); coding-DNA position 1982, G replaced by A.
Protein change: p.Arg661His; replaces arginine 661 with histidine.
Molecular consequence: missense variant.
Genome position (GRCh38, 1-based): chr7:87,426,832, C>T on the plus strand (G>A on the coding strand, the complement: ABCB4 is on the minus strand). VCF-style: chr7-87426832-C-T. GRCh37 (hg19) VCF-style: chr7-87056148-C-T.
Other names: p.Arg661His; c.1982G>A, p.Arg661His (NM_018849.3, NM_018850.3); short protein forms R661H.
Identifiers: ClinVar variation 360797 (VCV000360797.14), dbSNP rs532332220, ClinGen allele CA4327153.